The following is an entry in ClinVar:

ClinVar aggregate classification (germline): Uncertain significance. Review status: criteria provided, multiple submitters, no conflicts (2 of 4 stars). 2 submissions from 2 submitters: Uncertain significance (2). Last evaluated 2026-06-11.

gnomAD v4.1: 85 of 1,536,192 alleles (0.0055%); highest among the groups gnomAD compares: African/African-American, 0.11%; no homozygotes.

Submissions (2):

Women's Health and Genetics/Laboratory Corporation of America, LabCorp
Classification: Uncertain significance. Last evaluated: 2026-06-11. Review status: criteria provided, single submitter. Criteria: LabCorp Variant Classification Summary - May 2015. Collection method: clinical testing. Allele origin: germline.
Comment: Variant summary: ZFHX2 c.5549G>A (p.Gly1850Glu) results in a non-conservative amino acid change in the encoded protein sequence. Algorithms developed to predict the effect of missense changes on protein structure and function are either unavailable or do not agree on the potential impact of this missense change. The variant allele was found at a frequency of 4.4e-05 in 136878 control chromosomes. The available data on variant occurrences in the general population are insufficient to allow any conclusion about variant significance. To our knowledge, no occurrence of c.5549G>A in individuals affected with ZFHX2-related conditions and no experimental evidence demonstrating its impact on protein function have been reported. ClinVar contains an entry for this variant (Variation ID: 4607360). Based on the evidence outlined above, the variant was classified as uncertain significance.

Ambry Genetics
Classification: Uncertain significance. Last evaluated: 2025-09-25. Review status: criteria provided, single submitter. Criteria: Ambry Variant Classification Scheme 2023. Collection method: clinical testing. Allele origin: germline.

NM_033400.3(ZFHX2):c.5549G>A (p.Gly1850Glu)

Genes: THTPA (thiamine triphosphatase; plus strand), ZFHX2 (zinc finger homeobox 2; minus strand). Cytogenetic location: 14q11.2.
Variant type: single nucleotide variant.
Coding change: c.5549G>A on transcript NM_033400.3 (MANE Select); coding-DNA position 5549, G replaced by A.
Protein change: p.Gly1850Glu; replaces glycine 1850 with glutamic acid.
Molecular consequence: missense variant.
Genome position (GRCh38, 1-based): chr14:23,524,393, C>T on the plus strand (G>A on the coding strand, the complement: ZFHX2 is on the minus strand). VCF-style: chr14-23524393-C-T. GRCh37 (hg19) VCF-style: chr14-23993602-C-T.
Other names: short protein forms G1850E.
Identifiers: ClinVar variation 4607360 (VCV004607360.2).